The following is an entry in ClinVar:

ClinVar aggregate classification (germline): Uncertain significance (1 of 4 stars; one submission).

Submission:

Labcorp Genetics (formerly Invitae), Labcorp
Classification: Uncertain significance. Last evaluated: 2024-09-21. Review status: criteria provided, single submitter. Criteria: Invitae Variant Classification Sherloc (09022015). Collection method: clinical testing. Allele origin: germline.
Comment: This sequence change replaces isoleucine, which is neutral and non-polar, with threonine, which is neutral and polar, at codon 2254 of the CACNA1B protein (p.Ile2254Thr). This variant is not present in population databases (gnomAD no frequency). This variant has not been reported in the literature in individuals affected with CACNA1B-related conditions. An algorithm developed to predict the effect of missense changes on protein structure and function outputs the following: PolyPhen-2: "Possibly Damaging". The threonine amino acid residue is found in multiple mammalian species, which suggests that this missense change does not adversely affect protein function. In summary, the available evidence is currently insufficient to determine the role of this variant in disease. Therefore, it has been classified as a Variant of Uncertain Significance.

NM_000718.4(CACNA1B):c.6761T>C (p.Ile2254Thr)

Gene: CACNA1B (calcium voltage-gated channel subunit alpha1 B; plus strand). Cytogenetic location: 9q34.3.
Variant type: single nucleotide variant.
Coding change: c.6761T>C on transcript NM_000718.4 (MANE Select); coding-DNA position 6761, T replaced by C.
Protein change: p.Ile2254Thr; replaces isoleucine 2254 with threonine.
Molecular consequence: missense variant. On other transcripts: synonymous variant (1).
Genome position (GRCh38, 1-based): chr9:138,121,740, T>C. VCF-style: chr9-138121740-T-C. GRCh37 (hg19) VCF-style: chr9-141016192-T-C.
Other names: c.6574T>C, p.Leu2192= (NM_001243812.2); short protein forms I2254T.
Identifiers: ClinVar variation 3721264 (VCV003721264.2).